The following is an entry in ClinVar:

NM_018076.5(ODAD2):c.1513A>T (p.Thr505Ser)

Gene: ODAD2 (outer dynein arm docking complex subunit 2; minus strand). Cytogenetic location: 10p12.1.
Variant type: single nucleotide variant.
Coding change: c.1513A>T on transcript NM_018076.5 (MANE Select); coding-DNA position 1513, A replaced by T.
Protein change: p.Thr505Ser; replaces threonine 505 with serine.
Molecular consequence: missense variant.
Genome position (GRCh38, 1-based): chr10:27,944,836, T>A on the plus strand (A>T on the coding strand, the complement: ODAD2 is on the minus strand). VCF-style: chr10-27944836-T-A. GRCh37 (hg19) VCF-style: chr10-28233765-T-A.
Other names: c.1513A>T, p.Thr505Ser (NM_001290020.2); c.88A>T, p.Thr30Ser (NM_001290021.2); c.589A>T, p.Thr197Ser (NM_001312689.2); short protein forms T30S, T197S, T505S.
Identifiers: ClinVar variation 4125189 (VCV004125189.1).

ClinVar aggregate classification (germline): Uncertain significance (1 of 4 stars; one submission).

Conditions:
Primary ciliary dyskinesia. Also called: Ciliary dyskinesia. Identifiers: Orphanet 244, MedGen C0008780, MONDO:0016575, HP:0012265.

gnomAD v4.1: 8 of 1,613,882 alleles (0.0005%); highest among the groups gnomAD compares: African/African-American, 0.0013%; no homozygotes.

Submission:

Ambry Genetics
Classification: Uncertain significance for Primary ciliary dyskinesia. Last evaluated: 2025-06-23. Review status: criteria provided, single submitter. Criteria: Ambry Variant Classification Scheme 2023. Collection method: clinical testing. Allele origin: germline.
Comment: The p.T505S variant (also known as c.1513A>T), located in coding exon 10 of the ARMC4 gene, results from an A to T substitution at nucleotide position 1513. The threonine at codon 505 is replaced by serine, an amino acid with similar properties. This amino acid position is conserved. In addition, this alteration is predicted to be tolerated by in silico analysis. Based on the available evidence, the clinical significance of this variant remains unclear.